The following is an entry in ClinVar:

ClinVar aggregate classification (germline): Uncertain significance (1 of 4 stars; one submission).

Conditions:
RASopathy. Also called: Noonan spectrum disorder; rasopathies. Identifiers: Orphanet 536391, MedGen C5555857, MONDO:0021060.

Submission:

Labcorp Genetics (formerly Invitae), Labcorp
Classification: Uncertain significance for RASopathy. Last evaluated: 2025-03-05. Review status: criteria provided, single submitter. Criteria: Invitae Variant Classification Sherloc (09022015). Collection method: clinical testing. Allele origin: germline.
Comment: This sequence change replaces aspartic acid, which is acidic and polar, with glutamic acid, which is acidic and polar, at codon 271 of the SOS1 protein (p.Asp271Glu). This variant is not present in population databases (gnomAD no frequency). This variant has not been reported in the literature in individuals affected with SOS1-related conditions. Invitae Evidence Modeling of protein sequence and biophysical properties (such as structural, functional, and spatial information, amino acid conservation, physicochemical variation, residue mobility, and thermodynamic stability) has been performed for this missense variant. However, the output from this modeling did not meet the statistical confidence thresholds required to predict the impact of this variant on SOS1 protein function. In summary, the available evidence is currently insufficient to determine the role of this variant in disease. Therefore, it has been classified as a Variant of Uncertain Significance.

NM_005633.4(SOS1):c.813T>G (p.Asp271Glu)

Gene: SOS1 (SOS Ras/Rac guanine nucleotide exchange factor 1; minus strand). Cytogenetic location: 2p22.1.
Variant type: single nucleotide variant.
Coding change: c.813T>G on transcript NM_005633.4 (MANE Select); coding-DNA position 813, T replaced by G.
Protein change: p.Asp271Glu; replaces aspartic acid 271 with glutamic acid.
Molecular consequence: missense variant.
Genome position (GRCh38, 1-based): chr2:39,051,195, A>C on the plus strand (T>G on the coding strand, the complement: SOS1 is on the minus strand). VCF-style: chr2-39051195-A-C. GRCh37 (hg19) VCF-style: chr2-39278336-A-C.
Other names: c.792T>G, p.Asp264Glu (NM_001382394.1); c.813T>G, p.Asp271Glu (NM_001382395.1); short protein forms D264E, D271E.
Identifiers: ClinVar variation 4769080 (VCV004769080.1).